The following is an entry in ClinVar:

NM_001330288.2(SMARCC2):c.1013A>C (p.Asp338Ala)

Gene: SMARCC2 (SWI/SNF related BAF chromatin remodeling complex subunit C2; minus strand). Cytogenetic location: 12q13.2.
Variant type: single nucleotide variant.
Coding change: c.1013A>C on transcript NM_001330288.2 (MANE Select); coding-DNA position 1013, A replaced by C.
Protein change: p.Asp338Ala; replaces aspartic acid 338 with alanine.
Molecular consequence: missense variant.
Genome position (GRCh38, 1-based): chr12:56,181,045, T>G on the plus strand (A>C on the coding strand, the complement: SMARCC2 is on the minus strand). VCF-style: chr12-56181045-T-G. GRCh37 (hg19) VCF-style: chr12-56574829-T-G.
Other names: c.1013A>C, p.Asp338Ala (NM_001130420.3, NM_003075.5, NM_139067.4); short protein forms D338A.
Identifiers: ClinVar variation 3781259 (VCV003781259.1).
Genomic context (GRCh38, chr12:56,181,045, plus strand): 5'-GGAAGTGTCACCTCTTCTACATTGGGGACTGGTGAGGGCTCGTCCATGTCCTTTGTCAGG[T>G]CTTCTTGCTCCTCTTCTCTGTGGCCACGCTTTGACTTAGTGTAAGGTGTTGAGGGACTGG-3'
Protein context (NP_001317217.1, residues 328-348): KRGHREEEQE[Asp338Ala]LTKDMDEPSP

ClinVar aggregate classification (germline): Uncertain significance (1 of 4 stars; one submission).

Submission:

GeneDx
Classification: Uncertain significance. Last evaluated: 2024-10-20. Review status: criteria provided, single submitter. Criteria: GeneDx Variant Classification Process June 2021. Collection method: clinical testing. Allele origin: germline. Affected: yes.
Comment: Not observed at significant frequency in large population cohorts (gnomAD); In silico analysis supports that this missense variant has a deleterious effect on protein structure/function; Has not been previously published as pathogenic or benign to our knowledge